The following is an entry in ClinVar:

ClinVar aggregate classification (germline): Benign (1 of 4 stars; one submission).

Allele frequency attached by ClinVar (database versions not stated): 1000 Genomes Project 30x 0.44019; 1000 Genomes Project 0.44069; TOPMed 0.47157; gnomAD 0.48911.
gnomAD v4.1: 74,270 of 151,962 alleles (49%); highest among the groups gnomAD compares: Middle Eastern, 51%; 18,412 homozygotes.

Submission:

Unidad de Genómica Garrahan, Hospital de Pediatría Garrahan
Classification: Benign. Last evaluated: 2024-01-24. Review status: criteria provided, single submitter. Criteria: ACMG Guidelines, 2015. Collection method: clinical testing. Allele origin: germline. Affected: no. Observed: 49 variant alleles.
Comment: This variant is classified as Benign based on local population frequency. This variant was detected in 52% of patients studied by a panel of primary immunodeficiencies. Number of patients: 49. Only high quality variants are reported.

NM_031483.7(ITCH):c.521+5677A>G

Gene: ITCH (itchy E3 ubiquitin protein ligase; plus strand). Cytogenetic location: 20q11.22.
Variant type: single nucleotide variant.
Coding change: c.521+5677A>G on transcript NM_031483.7 (MANE Select); 5677 bases into the intron after coding-DNA position 521, A replaced by G.
Molecular consequence: intron variant.
Genome position (GRCh38, 1-based): chr20:34,430,202, A>G. VCF-style: chr20-34430202-A-G. GRCh37 (hg19) VCF-style: chr20-33018008-A-G.
Other names: c.644+5677A>G (NM_001324197.2, NM_001257137.3); c.521+5677A>G (NM_001324198.2); c.191+5677A>G (NM_001257138.3).
Identifiers: ClinVar variation 2688113 (VCV002688113.2), dbSNP rs6058041, ClinGen allele CA14755580.